The following is an entry in ClinVar:

ClinVar aggregate classification (germline): Uncertain significance (1 of 4 stars; one submission).

Submission:

Labcorp Genetics (formerly Invitae), Labcorp
Classification: Uncertain significance. Last evaluated: 2025-08-01. Review status: criteria provided, single submitter. Criteria: Invitae Variant Classification Sherloc (09022015). Collection method: clinical testing. Allele origin: germline.
Comment: This sequence change replaces alanine, which is neutral and non-polar, with phenylalanine, which is neutral and non-polar, at codon 269 of the DCHS1 protein (p.Ala269Phe). This variant is present in population databases (no rsID available, gnomAD 0.0007%). This variant has not been reported in the literature in individuals affected with DCHS1-related conditions. ClinVar contains an entry for this variant (Variation ID: 1918136). An algorithm developed to predict the effect of missense changes on protein structure and function (PolyPhen-2) suggests that this variant is likely to be disruptive. In summary, the available evidence is currently insufficient to determine the role of this variant in disease. Therefore, it has been classified as a Variant of Uncertain Significance.

NM_003737.4(DCHS1):c.805_806delinsTT (p.Ala269Phe)

Gene: DCHS1 (dachsous cadherin-related 1; minus strand). Cytogenetic location: 11p15.4.
Variant type: Indel.
Coding change: c.805_806delinsTT on transcript NM_003737.4 (MANE Select); coding-DNA positions 805 to 806, GC replaced by TT.
Protein change: p.Ala269Phe; replaces alanine 269 with phenylalanine.
Molecular consequence: missense variant.
Genome position (GRCh38, 1-based): chr11:6,640,808-6,640,809, GC replaced by AA on the plus strand (GC replaced by TT on the coding strand, the reverse complement: DCHS1 is on the minus strand). VCF-style: chr11-6640808-GC-AA. GRCh37 (hg19) VCF-style: chr11-6662039-GC-AA.
Other names: short protein forms A269F.
Identifiers: ClinVar variation 1918136 (VCV001918136.5), dbSNP rs2493842350, ClinGen allele CA2580083997.